The following is an entry in ClinVar:

ClinVar aggregate classification (germline): Uncertain significance (1 of 4 stars; one submission).

gnomAD v4.1: 8 of 1,613,880 alleles (0.0005%); highest among the groups gnomAD compares: South Asian, 0.0044%; no homozygotes.

Submission:

Labcorp Genetics (formerly Invitae), Labcorp
Classification: Uncertain significance. Last evaluated: 2025-02-16. Review status: criteria provided, single submitter. Criteria: Invitae Variant Classification Sherloc (09022015). Collection method: clinical testing. Allele origin: germline.
Comment: This sequence change replaces isoleucine, which is neutral and non-polar, with valine, which is neutral and non-polar, at codon 232 of the BEST1 protein (p.Ile232Val). This variant is present in population databases (rs767552540, gnomAD 0.006%). This variant has not been reported in the literature in individuals affected with BEST1-related conditions. An algorithm developed to predict the effect of missense changes on protein structure and function outputs the following: PolyPhen-2: "Benign". The valine amino acid residue is found in multiple mammalian species, which suggests that this missense change does not adversely affect protein function. In summary, the available evidence is currently insufficient to determine the role of this variant in disease. Therefore, it has been classified as a Variant of Uncertain Significance.

NM_004183.4(BEST1):c.694A>G (p.Ile232Val)

Gene: BEST1 (bestrophin 1; plus strand). Cytogenetic location: 11q12.3.
Variant type: single nucleotide variant.
Coding change: c.694A>G on transcript NM_004183.4 (MANE Select); coding-DNA position 694, A replaced by G.
Protein change: p.Ile232Val; replaces isoleucine 232 with valine.
Molecular consequence: missense variant. On other transcripts: 5 prime UTR variant (1), non-coding transcript variant (1).
Genome position (GRCh38, 1-based): chr11:61,957,444, A>G. VCF-style: chr11-61957444-A-G. GRCh37 (hg19) VCF-style: chr11-61724916-A-G.
Other names: c.514A>G, p.Ile172Val (NM_001139443.3, NM_001300786.2, NM_001300787.2 and 3 more transcripts); c.376A>G, p.Ile126Val (NM_001363591.3); c.694A>G, p.Ile232Val (NM_001363592.2, NM_001440571.1, NM_001440572.1 and 1 more transcripts); c.-482A>G (NM_001363593.3); short protein forms I126V, I172V, I232V.
Identifiers: ClinVar variation 4774181 (VCV004774181.1).